The following is an entry in ClinVar:

ClinVar aggregate classification (germline): Likely benign (0 of 4 stars; one submission).

Conditions:
IFT74-related disorder. Also called: IFT74-related condition; IFT74-Related Disorders.

gnomAD v4.1: 1 of 1,568,998 alleles (0.000064%); no homozygotes.

Submission:

PreventionGenetics, part of Exact Sciences
Classification: Likely benign for IFT74-related condition. Last evaluated: 2023-11-16. Review status: no assertion criteria provided. Collection method: clinical testing. Allele origin: germline.
Comment: This variant is classified as likely benign based on ACMG/AMP sequence variant interpretation guidelines (Richards et al. 2015 PMID: 25741868, with internal and published modifications).

NM_025103.4(IFT74):c.330T>G (p.Thr110=)

Gene: IFT74 (intraflagellar transport 74; plus strand). Cytogenetic location: 9p21.2.
Variant type: single nucleotide variant.
Coding change: c.330T>G on transcript NM_025103.4 (MANE Select); coding-DNA position 330, T replaced by G.
Protein change: p.Thr110=; no amino-acid change (threonine 110 retained).
Molecular consequence: synonymous variant.
Genome position (GRCh38, 1-based): chr9:26,984,281, T>G. VCF-style: chr9-26984281-T-G. GRCh37 (hg19) VCF-style: chr9-26984279-T-G.
Other names: c.330T>G, p.Thr110= (NM_001099222.3, NM_001099223.3, NM_001099224.3 and 1 more transcripts).
Identifiers: ClinVar variation 3349210 (VCV003349210.1).